The following is an entry in ClinVar:

NM_007194.4(CHEK2):c.1411C>T (p.Pro471Ser)

Gene: CHEK2 (checkpoint kinase 2; minus strand). Cytogenetic location: 22q12.1.
Variant type: single nucleotide variant.
Coding change: c.1411C>T on transcript NM_007194.4 (MANE Select); coding-DNA position 1411, C replaced by T.
Protein change: p.Pro471Ser; replaces proline 471 with serine.
Molecular consequence: missense variant.
Genome position (GRCh38, 1-based): chr22:28,694,082, G>A on the plus strand (C>T on the coding strand, the complement: CHEK2 is on the minus strand). VCF-style: chr22-28694082-G-A. GRCh37 (hg19) VCF-style: chr22-29090070-G-A.
Other names: c.1540C>T, p.Pro514Ser (NM_001005735.3); c.748C>T, p.Pro250Ser (NM_001257387.3); c.1210C>T, p.Pro404Ser (NM_001349956.3); c.1324C>T, p.Pro442Ser (NM_145862.3); short protein forms P404S, P514S, P442S, P471S, P250S.
Identifiers: ClinVar variation 926637 (VCV000926637.6), dbSNP rs2052470634, ClinGen allele CA411094330.

ClinVar aggregate classification (germline): Uncertain significance. Review status: criteria provided, multiple submitters, no conflicts (2 of 4 stars). 2 submissions from 2 submitters: Uncertain significance (2). Last evaluated 2022-12-18.

Conditions:
Familial cancer of breast. Also called: BREAST CANCER, FAMILIAL; Hereditary breast cancer; hereditary breast carcinoma. Identifiers: Orphanet 227535, MedGen C0346153, MONDO:0016419, OMIM 114480. Disease mechanism: loss of function.
Hereditary cancer-predisposing syndrome. Also called: Neoplastic Syndromes, Hereditary; Tumor predisposition; Hereditary Cancer Syndrome; Hereditary neoplastic syndrome. Identifiers: Orphanet 140162, MedGen C0027672, MeSH D009386, MONDO:0015356.

Submissions (2):

Labcorp Genetics (formerly Invitae), Labcorp
Classification: Uncertain significance for Familial cancer of breast. Last evaluated: 2022-12-18. Review status: criteria provided, single submitter. Criteria: Invitae Variant Classification Sherloc (09022015). Collection method: clinical testing. Allele origin: germline.
Comment: In summary, the available evidence is currently insufficient to determine the role of this variant in disease. Therefore, it has been classified as a Variant of Uncertain Significance. Algorithms developed to predict the effect of missense changes on protein structure and function are either unavailable or do not agree on the potential impact of this missense change (SIFT: "Deleterious"; PolyPhen-2: "Possibly Damaging"; Align-GVGD: "Class C0"). ClinVar contains an entry for this variant (Variation ID: 926637). This variant has not been reported in the literature in individuals affected with CHEK2-related conditions. This variant is not present in population databases (gnomAD no frequency). This sequence change replaces proline, which is neutral and non-polar, with serine, which is neutral and polar, at codon 471 of the CHEK2 protein (p.Pro471Ser).

Color Diagnostics, LLC DBA Color Health
Classification: Uncertain significance for Hereditary cancer-predisposing syndrome. Last evaluated: 2019-12-16. Review status: criteria provided, single submitter. Criteria: ACMG Guidelines, 2015. Collection method: clinical testing. Allele origin: germline.
Comment: This missense variant replaces proline with serine at codon 471 of the CHEK2 protein. Computational prediction is inconclusive regarding the impact of this variant on protein structure and function (internally defined REVEL score threshold 0.5 < inconclusive < 0.7, PMID: 27666373). Splice site prediction tools suggest that this variant may not impact RNA splicing. To our knowledge, functional studies have not been performed for this variant. This variant has not been reported in individuals affected with hereditary cancer in the literature. This variant has not been identified in the general population by the Genome Aggregation Database (gnomAD). The available evidence is insufficient to determine the role of this variant in disease conclusively. Therefore, this variant is classified as a Variant of Uncertain Significance.